The following is an entry in ClinVar:

NM_001042492.3(NF1):c.5198del (p.Ala1732_Leu1733insTer)

Gene: NF1 (neurofibromin 1; plus strand). Cytogenetic location: 17q11.2.
Variant type: Deletion.
Coding change: c.5198del on transcript NM_001042492.3 (MANE Select); coding-DNA position 5198, one base deleted (T; older notation c.5198delT).
Protein change: p.Ala1732_Leu1733insTer.
Molecular consequence: nonsense. On other transcripts: frameshift variant (1).
Genome position (GRCh38, 1-based): chr17:31,326,182, T deleted; the last of 3 consecutive T bases (chr17:31,326,180-31,326,182); deleting any one gives the same sequence. VCF-style (leftmost placement, unchanged base first): chr17-31326179-CT-C. GRCh37 (hg19) VCF-style: chr17-29653197-CT-C.
Other names: c.5135delT (NM_000267.3); c.5135delT, p.Leu1712Terfs (NM_000267.4).
Identifiers: ClinVar variation 3879117 (VCV003879117.2).

ClinVar aggregate classification (germline): Pathogenic. Review status: criteria provided, multiple submitters, no conflicts (2 of 4 stars). 2 submissions from 2 submitters: Pathogenic (2). Last evaluated 2026-01-18.

Conditions:
Cardiovascular phenotype. Identifiers: MedGen CN230736.
Hereditary cancer-predisposing syndrome. Also called: Neoplastic Syndromes, Hereditary; Tumor predisposition; Hereditary neoplastic syndrome; Hereditary Cancer Syndrome. Identifiers: Orphanet 140162, MedGen C0027672, MeSH D009386, MONDO:0015356.
Neurofibromatosis, type 1 (NF1). Also called: VON RECKLINGHAUSEN DISEASE; Peripheral type neurofibromatosis; Neurofibromatosis, type I; NEUROFIBROMATOSIS, TYPE I, SOMATIC. Identifiers: Orphanet 636, MedGen C0027831, MONDO:0018975, OMIM 162200. Disease mechanism: loss of function.

Submissions (2):

Labcorp Genetics (formerly Invitae), Labcorp
Classification: Pathogenic for Neurofibromatosis, type 1. Last evaluated: 2026-01-18. Review status: criteria provided, single submitter. Criteria: Invitae Variant Classification Sherloc (09022015). Collection method: clinical testing. Allele origin: germline.
Comment: This sequence change creates a premature translational stop signal (p.Leu1712*) in the NF1 gene. It is expected to result in an absent or disrupted protein product. Loss-of-function variants in NF1 are known to be pathogenic (PMID: 10712197, 23913538). This variant is not present in population databases (gnomAD no frequency). This variant has not been reported in the literature in individuals affected with NF1-related conditions. ClinVar contains an entry for this variant (Variation ID: 3879117). Algorithms developed to predict the effect of sequence changes on RNA splicing suggest that this variant may disrupt the consensus splice site. For these reasons, this variant has been classified as Pathogenic.

Ambry Genetics
Classification: Pathogenic for Cardiovascular phenotype; Hereditary cancer-predisposing syndrome. Last evaluated: 2025-02-19. Review status: criteria provided, single submitter. Criteria: Ambry Variant Classification Scheme 2023. Collection method: clinical testing. Allele origin: germline.
Comment: The c.5135delT pathogenic mutation, located in coding exon 36 of the NF1 gene, results from a deletion of one nucleotide at nucleotide position 5135, causing a translational frameshift with a predicted alternate stop codon (p.L1712*). This alteration is expected to result in loss of function by premature protein truncation or nonsense-mediated mRNA decay. As such, this alteration is interpreted as a disease-causing mutation.

Literature cited by the submitters: PubMed 10712197 (cited by Labcorp Genetics (formerly Invitae), Labcorp); PubMed 23913538 (cited by Labcorp Genetics (formerly Invitae), Labcorp).